The following is an entry in ClinVar:

NM_001034853.2(RPGR):c.1572G>C (p.Lys524Asn)

Gene: RPGR (retinitis pigmentosa GTPase regulator; minus strand). Cytogenetic location: Xp11.4.
Variant type: single nucleotide variant.
Coding change: c.1572G>C on transcript NM_001034853.2 (MANE Select); coding-DNA position 1572, G replaced by C.
Protein change: p.Lys524Asn; replaces lysine 524 with asparagine.
Molecular consequence: missense variant. On other transcripts: non-coding transcript variant (6).
Genome position (GRCh38, 1-based): chrX:38,290,959, C>G on the plus strand (G>C on the coding strand, the complement: RPGR is on the minus strand). VCF-style: chrX-38290959-C-G. GRCh37 (hg19) VCF-style: chrX-38150212-C-G.
Other names: c.1572G>C, p.Lys524Asn (NM_000328.3, NM_001367247.1); c.1569G>C, p.Lys523Asn (NM_001367245.1, NM_001367249.1, NM_001367250.1); c.1386G>C, p.Lys462Asn (NM_001367246.1, NM_001367251.1); c.1602G>C, p.Lys534Asn (NM_001367248.1); short protein forms K462N, K523N, K524N, K534N.
Identifiers: ClinVar variation 3775302 (VCV003775302.1).

ClinVar aggregate classification (germline): Uncertain significance (1 of 4 stars; one submission).

Conditions:
Retinitis pigmentosa 3. Also called: CHOROIDORETINAL DEGENERATION WITH RETINAL REFLEX IN HETEROZYGOUS WOMEN. Identifiers: Orphanet 791, MedGen C1845667, MONDO:0010227, OMIM 300029.

Submission:

3billion
Classification: Uncertain significance for Retinitis pigmentosa 3. Last evaluated: 2023-08-17. Review status: criteria provided, single submitter. Criteria: ACMG Guidelines, 2015. Collection method: clinical testing. Allele origin: germline. Affected: yes.
Comment: The variant is not observed in the gnomAD v2.1.1 dataset. Predicted Consequence/Location: Protein truncation variants are a common disease-causing mechanism. In silico tools predict the variant to alter splicing and produce an abnormal transcript [SpliceAI: 0.96 (>=0.2, moderate evidence for spliceogenicity)]. Therefore, this variant is classified as VUS according to the recommendation of ACMG/AMP guideline.